The following is an entry in ClinVar:

ClinVar aggregate classification (germline): Likely benign. Review status: criteria provided, multiple submitters, no conflicts (2 of 4 stars). 2 submissions from 2 submitters: Likely benign (2). Last evaluated 2025-06-27.

Conditions:
Congenital disorder of glycosylation type Ir (CDG1R). Also called: DDOST-congenital disorder of glycosylation. Identifiers: Orphanet 300536, MedGen C3281084, MONDO:0013789, OMIM 614507.

Allele frequency attached by ClinVar (database versions not stated): TOPMed 0.00004; ESP Exome Variant Server 0.00015.
gnomAD v4.1: 17 of 1,613,890 alleles (0.0011%); highest among the groups gnomAD compares: Non-Finnish European, 0.0013%; no homozygotes.

Submissions (2):

Labcorp Genetics (formerly Invitae), Labcorp
Classification: Likely benign for Congenital disorder of glycosylation type Ir. Last evaluated: 2025-06-27. Review status: criteria provided, single submitter. Criteria: Invitae Variant Classification Sherloc (09022015). Collection method: clinical testing. Allele origin: germline.

GeneDx
Classification: Likely benign. Last evaluated: 2017-04-05. Review status: criteria provided, single submitter. Criteria: GeneDx Variant Classification (06012015). Collection method: clinical testing. Allele origin: germline. Affected: yes.
Comment: This variant is considered likely benign or benign based on one or more of the following criteria: it is a conservative change, it occurs at a poorly conserved position in the protein, it is predicted to be benign by multiple in silico algorithms, and/or has population frequency not consistent with disease.

NM_005216.5(DDOST):c.507C>T (p.Ile169=)

Gene: DDOST (dolichyl-diphosphooligosaccharide--protein glycosyltransferase non-catalytic subunit; minus strand). Cytogenetic location: 1p36.12.
Variant type: single nucleotide variant.
Coding change: c.507C>T on transcript NM_005216.5 (MANE Select); coding-DNA position 507, C replaced by T.
Protein change: p.Ile169=; no amino-acid change (isoleucine 169 retained).
Molecular consequence: synonymous variant.
Genome position (GRCh38, 1-based): chr1:20,655,484, G>A on the plus strand (C>T on the coding strand, the complement: DDOST is on the minus strand). VCF-style: chr1-20655484-G-A. GRCh37 (hg19) VCF-style: chr1-20981977-G-A.
Identifiers: ClinVar variation 508378 (VCV000508378.5), dbSNP rs149487745, ClinGen allele CA661214.